The following is an entry in ClinVar:

NM_001385079.1(PDE10A):c.1156G>A (p.Asp386Asn)

Gene: PDE10A (phosphodiesterase 10A; minus strand). Cytogenetic location: 6q27.
Variant type: single nucleotide variant.
Coding change: c.1156G>A on transcript NM_001385079.1 (MANE Select); coding-DNA position 1156, G replaced by A.
Protein change: p.Asp386Asn; replaces aspartic acid 386 with asparagine.
Molecular consequence: missense variant.
Genome position (GRCh38, 1-based): chr6:165,448,966, C>T on the plus strand (G>A on the coding strand, the complement: PDE10A is on the minus strand). VCF-style: chr6-165448966-C-T. GRCh37 (hg19) VCF-style: chr6-165862454-C-T.
Other names: c.358G>A, p.Asp120Asn (NM_001130690.3); c.328G>A, p.Asp110Asn (NM_006661.4); short protein forms D110N, D120N, D386N.
Identifiers: ClinVar variation 2716334 (VCV002716334.3), dbSNP rs758599861, ClinGen allele CA4092497.

ClinVar aggregate classification (germline): Uncertain significance (1 of 4 stars; one submission).

Allele frequency attached by ClinVar (database versions not stated): TOPMed below 0.00001; ExAC 0.00001; gnomAD 0.00001.
gnomAD v4.1: 2 of 1,612,584 alleles (0.00012%); highest among the groups gnomAD compares: African/African-American, 0.0013%; no homozygotes.

Submission:

Labcorp Genetics (formerly Invitae), Labcorp
Classification: Uncertain significance. Last evaluated: 2023-06-25. Review status: criteria provided, single submitter. Criteria: Invitae Variant Classification Sherloc (09022015). Collection method: clinical testing. Allele origin: germline.
Comment: This sequence change replaces aspartic acid, which is acidic and polar, with asparagine, which is neutral and polar, at codon 120 of the PDE10A protein (p.Asp120Asn). This variant is present in population databases (rs758599861, gnomAD 0.0009%). This variant has not been reported in the literature in individuals affected with PDE10A-related conditions. An algorithm developed to predict the effect of missense changes on protein structure and function (PolyPhen-2) suggests that this variant is likely to be disruptive. In summary, the available evidence is currently insufficient to determine the role of this variant in disease. Therefore, it has been classified as a Variant of Uncertain Significance.